The following is an entry in ClinVar:

ClinVar aggregate classification (germline): Uncertain significance. Review status: criteria provided, multiple submitters, no conflicts (2 of 4 stars). 2 submissions from 2 submitters: Uncertain significance (2). Last evaluated 2023-12-11.

Allele frequency attached by ClinVar (database versions not stated): TOPMed 0.00002; gnomAD 0.00003; gnomAD exomes 0.00003; ExAC 0.00004.
gnomAD v4.1: 12 of 1,613,618 alleles (0.00074%); highest among the groups gnomAD compares: Non-Finnish European, 0.00034%; no homozygotes.

Submissions (2):

Labcorp Genetics (formerly Invitae), Labcorp
Classification: Uncertain significance. Last evaluated: 2023-12-11. Review status: criteria provided, single submitter. Criteria: Invitae Variant Classification Sherloc (09022015). Collection method: clinical testing. Allele origin: germline.
Comment: This sequence change replaces valine, which is neutral and non-polar, with leucine, which is neutral and non-polar, at codon 401 of the CCT2 protein (p.Val401Leu). This variant is present in population databases (rs751977437, gnomAD 0.01%). This variant has not been reported in the literature in individuals affected with CCT2-related conditions. ClinVar contains an entry for this variant (Variation ID: 594802). An algorithm developed to predict the effect of missense changes on protein structure and function (PolyPhen-2) suggests that this variant is likely to be tolerated. In summary, the available evidence is currently insufficient to determine the role of this variant in disease. Therefore, it has been classified as a Variant of Uncertain Significance.

Eurofins Ntd Llc (ga)
Classification: Uncertain significance. Last evaluated: 2017-10-30. Review status: criteria provided, single submitter. Criteria: EGL Classification Definitions 2015. Collection method: clinical testing. Allele origin: germline. Observed: 1 variant allele, 1 heterozygote.

NM_006431.3(CCT2):c.1201G>T (p.Val401Leu)

Gene: CCT2 (chaperonin containing TCP1 subunit 2; plus strand). Cytogenetic location: 12q15.
Variant type: single nucleotide variant.
Coding change: c.1201G>T on transcript NM_006431.3 (MANE Select); coding-DNA position 1201, G replaced by T.
Protein change: p.Val401Leu; replaces valine 401 with leucine.
Molecular consequence: missense variant.
Genome position (GRCh38, 1-based): chr12:69,597,736, G>T. VCF-style: chr12-69597736-G-T. GRCh37 (hg19) VCF-style: chr12-69991516-G-T.
Other names: c.1060G>T, p.Val354Leu (NM_001198842.2); short protein forms V401L, V354L.
Identifiers: ClinVar variation 594802 (VCV000594802.12), dbSNP rs751977437, ClinGen allele CA6680792.